The following is an entry in ClinVar:

NM_004991.4(MECOM):c.1883A>C (p.Asn628Thr)

Gene: MECOM (MDS1 and EVI1 complex locus; minus strand). Cytogenetic location: 3q26.2.
Variant type: single nucleotide variant.
Coding change: c.1883A>C on transcript NM_004991.4 (MANE Select); coding-DNA position 1883, A replaced by C.
Protein change: p.Asn628Thr; replaces asparagine 628 with threonine.
Molecular consequence: missense variant. On other transcripts: intron variant (2).
Genome position (GRCh38, 1-based): chr3:169,115,989, T>G on the plus strand (A>C on the coding strand, the complement: MECOM is on the minus strand). VCF-style: chr3-169115989-T-G. GRCh37 (hg19) VCF-style: chr3-168833777-T-G.
Other names: c.1514A>C, p.Asn505Thr (NM_001105077.4); c.1319A>C, p.Asn440Thr (NM_001105078.4, NM_001164000.2, NM_001205194.2 and 4 more transcripts); c.1322A>C, p.Asn441Thr (NM_001163999.2, NM_001366467.2, NM_001366468.2 and 1 more transcripts); c.1883A>C, p.Asn628Thr (NM_001366466.2); c.1133-222A>C (NM_001366473.2); c.569-222A>C (NM_001366474.2); short protein forms N505T, N628T, N440T, N441T.
Identifiers: ClinVar variation 3871668 (VCV003871668.1).

ClinVar aggregate classification (germline): Uncertain significance (1 of 4 stars; one submission).

Conditions:
Inborn genetic diseases. Identifiers: MedGen C0950123, MeSH D030342.

gnomAD v4.1: 21 of 1,614,088 alleles (0.0013%); highest among the groups gnomAD compares: Non-Finnish European, 0.0018%; no homozygotes.

Submission:

Ambry Genetics
Classification: Uncertain significance for Inborn genetic diseases. Last evaluated: 2025-01-06. Review status: criteria provided, single submitter. Criteria: Ambry Variant Classification Scheme 2023. Collection method: clinical testing. Allele origin: germline.
Comment: The p.N628T variant (also known as c.1883A>C), located in coding exon 8 of the MECOM gene, results from an A to C substitution at nucleotide position 1883. The asparagine at codon 628 is replaced by threonine, an amino acid with similar properties. This amino acid position is conserved. In addition, this alteration is predicted to be tolerated by in silico analysis. Based on the available evidence, the clinical significance of this variant remains unclear.